The following is an entry in ClinVar:

ClinVar aggregate classification (germline): Likely pathogenic (1 of 4 stars; one submission).

Conditions:
FTCD-related disorder. Also called: FTCD-related condition.

Allele frequency attached by ClinVar (database versions not stated): gnomAD 0.00002; TOPMed 0.00001.
gnomAD v4.1: 6 of 1,501,288 alleles (0.0004%); highest among the groups gnomAD compares: South Asian, 0.0025%; no homozygotes.

Submissions (2):

PreventionGenetics, part of Exact Sciences
Classification: Likely pathogenic for FTCD-related condition. Last evaluated: 2023-04-27. Review status: criteria provided, single submitter. Criteria: ACMG Guidelines, 2015. Collection method: clinical testing. Allele origin: germline.
Comment: The FTCD c.997C>T variant is predicted to result in premature protein termination (p.Arg333*). To our knowledge, this variant has not been reported in the literature. This variant is reported in 0.038% of alleles in individuals of African descent in gnomAD. Nonsense variants in FTCD are expected to be pathogenic. This variant is interpreted as likely pathogenic.

Dr. Peter K. Rogan Lab, Western University
No classification provided (evidence only). Condition: Sarcoma. Review status: no classification provided. Collection method: in vitro. Allele origin: not applicable. Functional consequence: retained intron. Not counted in ClinVar's aggregate classification.

NM_206965.2(FTCD):c.997C>T (p.Arg333Ter)

Gene: FTCD (formimidoyltransferase cyclodeaminase; minus strand). Cytogenetic location: 21q22.3.
Variant type: single nucleotide variant.
Coding change: c.997C>T on transcript NM_206965.2 (MANE Select); coding-DNA position 997, C replaced by T.
Protein change: p.Arg333Ter; replaces arginine 333 with a stop codon.
Molecular consequence: nonsense.
Genome position (GRCh38, 1-based): chr21:46,145,919, G>A on the plus strand (C>T on the coding strand, the complement: FTCD is on the minus strand). VCF-style: chr21-46145919-G-A. GRCh37 (hg19) VCF-style: chr21-47565833-G-A.
Other names: NC_000021.8:g.47565833G>A; c.997C>T, p.Arg333Ter (NM_001320412.2, NM_006657.3); short protein forms R333*.
Identifiers: ClinVar variation 2632941 (VCV002632941.2), dbSNP rs1355632505, ClinGen allele CA410513730.